The following is an entry in ClinVar:

ClinVar aggregate classification (germline): Benign/Likely benign. Review status: criteria provided, multiple submitters, no conflicts (2 of 4 stars). 4 submissions from 3 submitters: Benign (3); Likely benign (1). Last evaluated 2026-01-24.

Conditions:
Pierson syndrome. Also called: MICROCORIA-CONGENITAL NEPHROTIC SYNDROME. Identifiers: Orphanet 2670, MedGen C1836876, MONDO:0012184, OMIM 609049.
LAMB2-related infantile-onset nephrotic syndrome. Also called: NEPHROTIC SYNDROME, TYPE 5, WITHOUT OCULAR ABNORMALITIES; NEPHROTIC SYNDROME, TYPE 5, WITH OCULAR ABNORMALITIES; Nephrotic Syndrome, type 5. Identifiers: Orphanet 306507, MedGen C3280113, MONDO:0013621, OMIM 614199.

Allele frequency attached by ClinVar (database versions not stated): gnomAD exomes 0.00057 and 0.00162; ExAC 0.00199; gnomAD 0.00581 and 0.00622; ESP Exome Variant Server 0.00630; TOPMed 0.00655; 1000 Genomes Project 0.00839; 1000 Genomes Project 30x 0.00906.
gnomAD v4.1: 1,763 of 1,613,676 alleles (0.11%); highest among the groups gnomAD compares: African/African-American, 2%; 20 homozygotes.

Submissions (4):

Labcorp Genetics (formerly Invitae), Labcorp
Classification: Benign for LAMB2-related infantile-onset nephrotic syndrome; Pierson syndrome. Last evaluated: 2026-01-24. Review status: criteria provided, single submitter. Criteria: Invitae Variant Classification Sherloc (09022015). Collection method: clinical testing. Allele origin: germline.

GeneDx
Classification: Likely benign. Last evaluated: 2020-07-25. Review status: criteria provided, single submitter. Criteria: GeneDx Variant Classification Process June 2021. Collection method: clinical testing. Allele origin: germline. Affected: yes.

Illumina Laboratory Services, Illumina
Classification: Benign for Pierson syndrome. Last evaluated: 2017-10-31. Review status: criteria provided, single submitter. Criteria: ICSL Variant Classification Criteria 13 December 2019. Collection method: clinical testing. Allele origin: germline.
Comment: This variant was observed as part of a predisposition screen in an ostensibly healthy population. A literature search was performed for the gene, cDNA change, and amino acid change (where applicable). Publications were found based on this search. The evidence from the literature, in combination with allele frequency data from public databases where available, was sufficient to rule this variant out of causing disease. Therefore, this variant is classified as benign.

Illumina Laboratory Services, Illumina
Classification: Benign for LAMB2-related infantile-onset nephrotic syndrome. Last evaluated: 2017-10-31. Review status: criteria provided, single submitter. Criteria: ICSL Variant Classification Criteria 13 December 2019. Collection method: clinical testing. Allele origin: germline.
Comment: the same text as in the submission from Illumina Laboratory Services, Illumina above.

Literature cited by the submitters: PubMed 20556798 (cited by Illumina Laboratory Services, Illumina).

NM_002292.4(LAMB2):c.3110-15T>C

Gene: LAMB2 (laminin subunit beta 2; minus strand). Cytogenetic location: 3p21.31.
Variant type: single nucleotide variant.
Coding change: c.3110-15T>C on transcript NM_002292.4 (MANE Select); 15 bases into the intron before coding-DNA position 3110, T replaced by C.
Molecular consequence: intron variant.
Genome position (GRCh38, 1-based): chr3:49,124,627, A>G on the plus strand (T>C on the coding strand, the complement: LAMB2 is on the minus strand). VCF-style: chr3-49124627-A-G. GRCh37 (hg19) VCF-style: chr3-49162060-A-G.
Identifiers: ClinVar variation 902020 (VCV000902020.13), dbSNP rs147446447, ClinGen allele CA2394119.
Genomic context (GRCh38, chr3:49,124,627, plus strand): 5'-GATGGGCACTGCTGCGGATTTGTGCCCAGCAGGTTGCATGTGCAGCCTGTGCCAACCAAG[A>G]TGAGCACAGTAGTCAAGAGGAGGCCAAGAAGCAGAACCCCAATTCAGCCATGCCCTCCCA-3'